The following is an entry in ClinVar:

NM_001127898.4(CLCN5):c.615C>T (p.Ala205=)

Gene: CLCN5 (chloride voltage-gated channel 5; plus strand). Cytogenetic location: Xp11.23.
Variant type: single nucleotide variant.
Coding change: c.615C>T on transcript NM_001127898.4 (MANE Select); coding-DNA position 615, C replaced by T.
Protein change: p.Ala205=; no amino-acid change (alanine 205 retained).
Molecular consequence: synonymous variant.
Genome position (GRCh38, 1-based): chrX:50,080,605, C>T. VCF-style: chrX-50080605-C-T. GRCh37 (hg19) VCF-style: chrX-49845262-C-T.
Other names: c.405C>T (NM_000084.4); c.405C>T, p.Ala135= (NM_000084.5); c.615C>T, p.Ala205= (NM_001127899.4); c.465C>T, p.Ala155= (NM_001282163.2).
Identifiers: ClinVar variation 2175145 (VCV002175145.6), dbSNP rs782050861, ClinGen allele CA10413758.

ClinVar aggregate classification (germline): Likely benign. Review status: criteria provided, single submitter (1 of 4 stars). 2 submissions from 2 submitters: Likely benign (1). 1 of the submissions does not count toward it. Last evaluated 2026-01-16.

Conditions:
CLCN5-related disorder. Also called: CLCN5-related condition.

Allele frequency attached by ClinVar (database versions not stated): TOPMed 0.00002; gnomAD 0.00004; gnomAD exomes 0.00005; ExAC 0.00010.
gnomAD v4.1: 63 of 1,206,234 alleles (0.0052%); highest among the groups gnomAD compares: Middle Eastern, 0.092%; no homozygotes.

Submissions (2):

Labcorp Genetics (formerly Invitae), Labcorp
Classification: Likely benign. Last evaluated: 2026-01-16. Review status: criteria provided, single submitter. Criteria: Invitae Variant Classification Sherloc (09022015). Collection method: clinical testing. Allele origin: germline.

PreventionGenetics, part of Exact Sciences
Classification: Likely benign for CLCN5-related condition. Last evaluated: 2020-07-20. Review status: no assertion criteria provided. Collection method: clinical testing. Allele origin: germline. Not counted in ClinVar's aggregate classification.
Comment: This variant is classified as likely benign based on ACMG/AMP sequence variant interpretation guidelines (Richards et al. 2015 PMID: 25741868, with internal and published modifications).